The following is an entry in ClinVar:

ClinVar aggregate classification (germline): Uncertain significance. Review status: criteria provided, multiple submitters, no conflicts (2 of 4 stars). 2 submissions from 2 submitters: Uncertain significance (2). Last evaluated 2026-01-23.

Allele frequency attached by ClinVar (database versions not stated): gnomAD 0.00001; gnomAD exomes 0.00001 and 0.00002; TOPMed 0.00001.
gnomAD v4.1: 25 of 1,614,046 alleles (0.0015%); highest among the groups gnomAD compares: South Asian, 0.0077%; no homozygotes.

Submissions (2):

Women's Health and Genetics/Laboratory Corporation of America, LabCorp
Classification: Uncertain significance. Last evaluated: 2026-01-23. Review status: criteria provided, single submitter. Criteria: LabCorp Variant Classification Summary - May 2015. Collection method: clinical testing. Allele origin: germline.

Labcorp Genetics (formerly Invitae), Labcorp
Classification: Uncertain significance. Last evaluated: 2021-11-28. Review status: criteria provided, single submitter. Criteria: Invitae Variant Classification Sherloc (09022015). Collection method: clinical testing. Allele origin: germline.
Comment: In summary, the available evidence is currently insufficient to determine the role of this variant in disease. Therefore, it has been classified as a Variant of Uncertain Significance. Algorithms developed to predict the effect of missense changes on protein structure and function are either unavailable or do not agree on the potential impact of this missense change (SIFT: "Deleterious"; PolyPhen-2: "Possibly Damaging"; Align-GVGD: "Class C0"). This sequence change replaces alanine, which is neutral and non-polar, with valine, which is neutral and non-polar, at codon 82 of the FCHO1 protein (p.Ala82Val). This variant is present in population databases (no rsID available, gnomAD 0.003%). This variant has not been reported in the literature in individuals affected with FCHO1-related conditions.

NM_015122.3(FCHO1):c.245C>T (p.Ala82Val)

Gene: FCHO1 (FCH and mu domain containing endocytic adaptor 1; plus strand). Cytogenetic location: 19p13.11.
Variant type: single nucleotide variant.
Coding change: c.245C>T on transcript NM_015122.3 (MANE Select); coding-DNA position 245, C replaced by T.
Protein change: p.Ala82Val; replaces alanine 82 with valine.
Molecular consequence: missense variant. On other transcripts: non-coding transcript variant (34).
Genome position (GRCh38, 1-based): chr19:17,766,719, C>T. VCF-style: chr19-17766719-C-T. GRCh37 (hg19) VCF-style: chr19-17877528-C-T.
Other names: c.245C>T, p.Ala82Val (NM_001161357.2, NM_001161358.2, NM_001384370.1 and 29 more transcripts); c.95C>T, p.Ala32Val (NM_001161359.2, NM_001384384.1, NM_001384385.1 and 3 more transcripts); c.170C>T, p.Ala57Val (NM_001384390.1); short protein forms A32V, A82V, A57V.
Identifiers: ClinVar variation 1378264 (VCV001378264.7), dbSNP rs1448043064, ClinGen allele CA404748188.